The following is an entry in ClinVar:

NM_000368.5(TSC1):c.289A>G (p.Ile97Val)

Gene: TSC1 (TSC complex subunit 1; minus strand). Cytogenetic location: 9q34.13.
Variant type: single nucleotide variant.
Coding change: c.289A>G on transcript NM_000368.5 (MANE Select); coding-DNA position 289, A replaced by G.
Protein change: p.Ile97Val; replaces isoleucine 97 with valine.
Molecular consequence: missense variant. On other transcripts: 5 prime UTR variant (1), intron variant (1).
Genome position (GRCh38, 1-based): chr9:132,925,661, T>C on the plus strand (A>G on the coding strand, the complement: TSC1 is on the minus strand). VCF-style: chr9-132925661-T-C. GRCh37 (hg19) VCF-style: chr9-135801048-T-C.
Other names: c.289A>G, p.Ile97Val (NM_001162426.2); c.-75A>G (NM_001362177.2); c.210+1540A>G (NM_001162427.2); short protein forms I97V.
Identifiers: ClinVar variation 534482 (VCV000534482.18), dbSNP rs138541569, ClinGen allele CA034962.
Genomic context (GRCh38, chr9:132,925,661, plus strand): 5'-GTAAAGAAGGCAAAAGAGGTGCTTGAGAGAGCTTATGCTTCCAAGATGGCTGCAGTCTTA[T>C]GACATGACCCAGTAACGAGAGGATGGATAAACGAGTGGCGGCTTTGCCCACATATTCGTT-3'
Protein context (NP_000359.1, residues 87-107): LSILSLLGHV[Ile97Val]RLQPSWKHKL

ClinVar aggregate classification (germline): Conflicting classifications of pathogenicity. Review status: criteria provided, conflicting classifications (1 of 4 stars). 5 submissions from 5 submitters: Uncertain significance (2); Likely benign (3). Last evaluated 2026-01-14.

Conditions:
Hereditary cancer-predisposing syndrome. Also called: Neoplastic Syndromes, Hereditary; Hereditary neoplastic syndrome; Tumor predisposition; Hereditary Cancer Syndrome. Identifiers: Orphanet 140162, MedGen C0027672, MeSH D009386, MONDO:0015356.
Tuberous sclerosis syndrome (TSC). Also called: Tuberous Sclerosis Complex; Tuberous sclerosis. Identifiers: Orphanet 805, MedGen C0041341, MONDO:0001734.
Tuberous sclerosis 1 (TSC1). Identifiers: Orphanet 805, MedGen C1854465, MONDO:0008612, OMIM 191100.

Allele frequency attached by ClinVar (database versions not stated): TOPMed below 0.00001; gnomAD 0.00001; ESP Exome Variant Server 0.00008.

Submissions (5):

Labcorp Genetics (formerly Invitae), Labcorp
Classification: Likely benign for Tuberous sclerosis 1. Last evaluated: 2026-01-14. Review status: criteria provided, single submitter. Criteria: Invitae Variant Classification Sherloc (09022015). Collection method: clinical testing. Allele origin: germline.

Color Diagnostics, LLC DBA Color Health
Classification: Uncertain significance for Tuberous sclerosis syndrome. Last evaluated: 2025-07-03. Review status: criteria provided, single submitter. Criteria: ACMG Guidelines, 2015. Collection method: clinical testing. Allele origin: germline.
Comment: This missense variant replaces isoleucine with valine at codon 97 of the TSC1 protein. Computational prediction suggests that this variant may not impact protein structure and function. To our knowledge, functional studies have not been reported for this variant. This variant has not been reported in individuals affected with TSC1-related disorders in the literature. This variant has been identified in 3/251368 chromosomes in the general population by the Genome Aggregation Database (gnomAD). The available evidence is insufficient to determine the role of this variant in disease conclusively. Therefore, this variant is classified as a Variant of Uncertain Significance.

All of Us Research Program, National Institutes of Health
Classification: Uncertain significance for Tuberous sclerosis syndrome. Last evaluated: 2023-10-02. Review status: criteria provided, single submitter. Criteria: ACMG Guidelines, 2015. Collection method: clinical testing. Allele origin: germline. Inheritance: Autosomal dominant inheritance. Observed: 3 variant alleles, 3 heterozygotes.
Comment: This missense variant replaces isoleucine with valine at codon 97 of the TSC1 protein. Computational prediction suggests that this variant may not impact protein structure and function (internally defined REVEL score threshold <= 0.5, PMID: 27666373). To our knowledge, functional studies have not been reported for this variant. This variant has not been reported in individuals affected with hereditary cancer in the literature. This variant has been identified in 3/251368 chromosomes in the general population by the Genome Aggregation Database (gnomAD). The available evidence is insufficient to determine the role of this variant in disease conclusively. Therefore, this variant is classified as a Variant of Uncertain Significance.

This study involves interpretation of variants in research participants for the purpose of population health screening. Participant phenotype was not available at the time of variant classification. Additional details can be found in publication PMID: 35346344, PMCID: PMC8962531

Genome-Nilou Lab
Classification: Likely benign for Tuberous sclerosis 1. Last evaluated: 2021-11-07. Review status: criteria provided, single submitter. Criteria: ACMG Guidelines, 2015. Collection method: clinical testing. Allele origin: germline. Affected: no.

Ambry Genetics
Classification: Likely benign for Hereditary cancer-predisposing syndrome. Last evaluated: 2018-10-12. Review status: criteria provided, single submitter. Criteria: Ambry Variant Classification Scheme 2023. Collection method: clinical testing. Allele origin: germline.